The following is an entry in ClinVar:

ClinVar aggregate classification (germline): Uncertain significance. Review status: criteria provided, multiple submitters, no conflicts (2 of 4 stars). 2 submissions from 2 submitters: Uncertain significance (2). Last evaluated 2025-11-19.

Conditions:
Inborn genetic diseases. Identifiers: MedGen C0950123, MeSH D030342.

Allele frequency attached by ClinVar (database versions not stated): gnomAD 0.00001; gnomAD exomes 0.00002; TOPMed 0.00002.
gnomAD v4.1: 33 of 1,614,080 alleles (0.002%); highest among the groups gnomAD compares: African/African-American, 0.0027%; no homozygotes.

Submissions (2):

Labcorp Genetics (formerly Invitae), Labcorp
Classification: Uncertain significance. Last evaluated: 2025-11-19. Review status: criteria provided, single submitter. Criteria: Invitae Variant Classification Sherloc (09022015). Collection method: clinical testing. Allele origin: germline.
Comment: This sequence change replaces aspartic acid, which is acidic and polar, with asparagine, which is neutral and polar, at codon 471 of the JAK1 protein (p.Asp471Asn). This variant is present in population databases (no rsID available, gnomAD 0.008%). This variant has not been reported in the literature in individuals affected with JAK1-related conditions. ClinVar contains an entry for this variant (Variation ID: 1983386). Invitae Evidence Modeling of protein sequence and biophysical properties (such as structural, functional, and spatial information, amino acid conservation, physicochemical variation, residue mobility, and thermodynamic stability) indicates that this missense variant is not expected to disrupt JAK1 protein function with a negative predictive value of 80%. In summary, the available evidence is currently insufficient to determine the role of this variant in disease. Therefore, it has been classified as a Variant of Uncertain Significance.

Ambry Genetics
Classification: Uncertain significance for Inborn genetic diseases. Last evaluated: 2024-07-16. Review status: criteria provided, single submitter. Criteria: Ambry Variant Classification Scheme 2023. Collection method: clinical testing. Allele origin: germline.

NM_002227.4(JAK1):c.1411G>A (p.Asp471Asn)

Gene: JAK1 (Janus kinase 1; minus strand). Cytogenetic location: 1p31.3.
Variant type: single nucleotide variant.
Coding change: c.1411G>A on transcript NM_002227.4 (MANE Select); coding-DNA position 1411, G replaced by A.
Protein change: p.Asp471Asn; replaces aspartic acid 471 with asparagine.
Molecular consequence: missense variant.
Genome position (GRCh38, 1-based): chr1:64,857,703, C>T on the plus strand (G>A on the coding strand, the complement: JAK1 is on the minus strand). VCF-style: chr1-64857703-C-T. GRCh37 (hg19) VCF-style: chr1-65323386-C-T.
Other names: c.1411G>A (NM_002227.2); c.1411G>A, p.Asp471Asn (NM_001320923.2, NM_001321852.2, NM_001321853.2 and 4 more transcripts); short protein forms D471N.
Identifiers: ClinVar variation 1983386 (VCV001983386.5), dbSNP rs1387066409, ClinGen allele CA340670535.